The following is an entry in ClinVar:

NC_000009.12:g.35657746A>T

Gene: RMRP (RNA component of mitochondrial RNA processing endoribonuclease; minus strand). Cytogenetic location: 9p13.3.
Variant type: single nucleotide variant.
Genome position: GRCh38 VCF-style: chr9-35657746-A-T. GRCh37 (hg19) VCF-style: chr9-35657743-A-T.
Identifiers: ClinVar variation 1450557 (VCV001450557.3), dbSNP rs749839597, ClinGen allele CA192745516.

ClinVar aggregate classification (germline): Uncertain significance (1 of 4 stars; one submission).

Conditions:
Anauxetic dysplasia. Identifiers: Orphanet 93347, MedGen C1846796, MONDO:0011773.

Submission:

Labcorp Genetics (formerly Invitae), Labcorp
Classification: Uncertain significance for Anauxetic dysplasia. Last evaluated: 2022-06-27. Review status: criteria provided, single submitter. Criteria: Invitae Variant Classification Sherloc (09022015). Collection method: clinical testing. Allele origin: germline.
Comment: This variant occurs in the RMRP gene, which encodes an RNA molecule that does not result in a protein product. This variant is present in population databases (rs749839597, gnomAD 0.002%). This variant has not been reported in the literature in individuals affected with RMRP-related conditions. Experimental studies and prediction algorithms are not available or were not evaluated, and the functional significance of this variant is currently unknown. In summary, the available evidence is currently insufficient to determine the role of this variant in disease. Therefore, it has been classified as a Variant of Uncertain Significance.